The following is an entry in ClinVar:

NM_004320.6(ATP2A1):c.1575dup (p.Asn526Ter)

Gene: ATP2A1 (ATPase sarcoplasmic/endoplasmic reticulum Ca2+ transporting 1; plus strand). Cytogenetic location: 16p11.2.
Variant type: Duplication.
Coding change: c.1575dup on transcript NM_004320.6 (MANE Select); coding-DNA position 1575, one base duplicated (T; older notation c.1575dupT).
Protein change: p.Asn526Ter; replaces asparagine 526 with a stop codon.
Molecular consequence: nonsense.
Genome position (GRCh38, 1-based): chr16:28,898,262, T duplicated. VCF-style (leftmost placement, unchanged base first): chr16-28898261-G-GT. GRCh37 (hg19) VCF-style: chr16-28909582-G-GT.
Other names: c.1200dup, p.Asn401Ter (NM_001286075.2); c.1575dup, p.Asn526Ter (NM_173201.5); short protein forms N401*, N526*.
Identifiers: ClinVar variation 2128534 (VCV002128534.4), dbSNP rs2506332789, ClinGen allele CA2575960446.

ClinVar aggregate classification (germline): Pathogenic (1 of 4 stars; one submission).

Conditions:
Brody myopathy. Also called: BRODY DISEASE. Identifiers: Orphanet 53347, MedGen C1832918, MONDO:0010977, OMIM 601003.

Submission:

Labcorp Genetics (formerly Invitae), Labcorp
Classification: Pathogenic for Brody myopathy. Last evaluated: 2022-04-20. Review status: criteria provided, single submitter. Criteria: Invitae Variant Classification Sherloc (09022015). Collection method: clinical testing. Allele origin: germline.
Comment: For these reasons, this variant has been classified as Pathogenic. This variant has not been reported in the literature in individuals affected with ATP2A1-related conditions. This variant is not present in population databases (gnomAD no frequency). This sequence change creates a premature translational stop signal (p.Asn526*) in the ATP2A1 gene. It is expected to result in an absent or disrupted protein product. Loss-of-function variants in ATP2A1 are known to be pathogenic (PMID: 8841193, 10914677, 23911890).

Literature cited by the submitters: PubMed 8841193; PubMed 10914677; PubMed 23911890.